The following is an entry in ClinVar:

NM_024422.6(DSC2):c.2125+5G>T

Gene: DSC2 (desmocollin 2; minus strand). Cytogenetic location: 18q12.1.
Variant type: single nucleotide variant.
Coding change: c.2125+5G>T on transcript NM_024422.6 (MANE Select); 5 bases into the intron after coding-DNA position 2125, G replaced by T.
Molecular consequence: intron variant.
Genome position (GRCh38, 1-based): chr18:31,071,600, C>A on the plus strand (G>T on the coding strand, the complement: DSC2 is on the minus strand). VCF-style: chr18-31071600-C-A. GRCh37 (hg19) VCF-style: chr18-28651566-C-A.
Other names: c.2125+5G>T (NM_004949.5).
Identifiers: ClinVar variation 920779 (VCV000920779.3), dbSNP rs1986828460, ClinGen allele CA1139665994.

ClinVar aggregate classification (germline): Uncertain significance (1 of 4 stars; one submission).

Conditions:
Cardiomyopathy (CMYO). Also called: Cardiomyopathies. Identifiers: Orphanet 167848, MedGen C0878544, MONDO:0004994, HP:0001638. Inheritance: Various modes of inheritance.

Submission:

Color Diagnostics, LLC DBA Color Health
Classification: Uncertain significance for Cardiomyopathy. Last evaluated: 2019-11-15. Review status: criteria provided, single submitter. Criteria: ACMG Guidelines, 2015. Collection method: clinical testing. Allele origin: germline.
Comment: This variant causes a G>T nucleotide substitution at the +5 position of intron 13 of the DSC2 gene. Splice prediction tools suggest that this variant may have a significant impact on splicing. To our knowledge, functional studies have not been performed for this variant. This variant has not been reported in individuals affected with cardiovascular disorders in the literature. This variant has not been identified in the general population by the Genome Aggregation Database (gnomAD). Clinical significance of loss-of-function variants in the DSC2 gene is not clearly established. The available evidence is insufficient to determine the role of this variant in disease conclusively. Therefore, this variant is classified as a Variant of Uncertain Significance.